The following is an entry in ClinVar:

NM_006393.3(NEBL):c.1612G>A (p.Val538Met)

Gene: NEBL (nebulette; minus strand). Cytogenetic location: 10p12.31.
Variant type: single nucleotide variant.
Coding change: c.1612G>A on transcript NM_006393.3 (MANE Select); coding-DNA position 1612, G replaced by A.
Protein change: p.Val538Met; replaces valine 538 with methionine.
Molecular consequence: missense variant. On other transcripts: intron variant (9).
Genome position (GRCh38, 1-based): chr10:20,831,255, C>T on the plus strand (G>A on the coding strand, the complement: NEBL is on the minus strand). VCF-style: chr10-20831255-C-T. GRCh37 (hg19) VCF-style: chr10-21120184-C-T.
Other names: c.250-18315G>A (NM_001377326.1, NM_001377327.1, NM_001377328.1); c.358-18315G>A (NM_213569.2, NM_001173484.2, NM_001377322.1); c.301-18315G>A (NM_001377324.1); c.292-18315G>A (NM_001377325.1); c.310-18315G>A (NM_001377323.1); short protein forms V538M.
Identifiers: ClinVar variation 4808122 (VCV004808122.1).

ClinVar aggregate classification (germline): Uncertain significance (1 of 4 stars; one submission).

Conditions:
Primary dilated cardiomyopathy (DCM). Also called: Dilated Cardiomyopathy. Identifiers: Orphanet 217604, MedGen C0007193, MeSH D002311, MONDO:0005021, HP:0001644. Inheritance: Various modes of inheritance.

gnomAD v4.1: 7 of 1,613,478 alleles (0.00043%); highest among the groups gnomAD compares: Middle Eastern, 0.016%; no homozygotes.

Submission:

Labcorp Genetics (formerly Invitae), Labcorp
Classification: Uncertain significance for Primary dilated cardiomyopathy. Last evaluated: 2025-09-05. Review status: criteria provided, single submitter. Criteria: Invitae Variant Classification Sherloc (09022015). Collection method: clinical testing. Allele origin: germline.
Comment: This sequence change replaces valine, which is neutral and non-polar, with methionine, which is neutral and non-polar, at codon 538 of the NEBL protein (p.Val538Met). This variant is present in population databases (rs75324054, gnomAD 0.02%). This variant has not been reported in the literature in individuals affected with NEBL-related conditions. An algorithm developed to predict the effect of missense changes on protein structure and function outputs the following: PolyPhen-2: "Benign". The methionine amino acid residue is found in multiple mammalian species, which suggests that this missense change does not adversely affect protein function. In summary, the available evidence is currently insufficient to determine the role of this variant in disease. Therefore, it has been classified as a Variant of Uncertain Significance.